The following is an entry in ClinVar:

NM_130837.3(OPA1):c.2478G>A (p.Trp826Ter)

Gene: OPA1 (OPA1 mitochondrial dynamin like GTPase; plus strand). Cytogenetic location: 3q29.
Variant type: single nucleotide variant.
Coding change: c.2478G>A on transcript NM_130837.3 (MANE Select); coding-DNA position 2478, G replaced by A.
Protein change: p.Trp826Ter; replaces tryptophan 826 with a stop codon.
Molecular consequence: nonsense.
Genome position (GRCh38, 1-based): chr3:193,659,519, G>A. VCF-style: chr3-193659519-G-A. GRCh37 (hg19) VCF-style: chr3-193377308-G-A.
Other names: c.1944G>A, p.Trp648Ter (NM_001354663.2); c.1941G>A, p.Trp647Ter (NM_001354664.2); c.2313G>A, p.Trp771Ter (NM_015560.3); c.2205G>A, p.Trp735Ter (NM_130831.3); c.2259G>A, p.Trp753Ter (NM_130832.3); c.2316G>A, p.Trp772Ter (NM_130833.3); c.2367G>A, p.Trp789Ter (NM_130834.3); c.2370G>A, p.Trp790Ter (NM_130835.3); and 1 more; short protein forms W647*, W735*, W753*, W790*, W826*, W648*, W771*, W772*.
Identifiers: ClinVar variation 2061269 (VCV002061269.4), dbSNP rs2109193286, ClinGen allele CA355792880.

ClinVar aggregate classification (germline): Pathogenic (1 of 4 stars; one submission).

Submission:

Labcorp Genetics (formerly Invitae), Labcorp
Classification: Pathogenic. Last evaluated: 2022-02-28. Review status: criteria provided, single submitter. Criteria: Invitae Variant Classification Sherloc (09022015). Collection method: clinical testing. Allele origin: germline.
Comment: This sequence change creates a premature translational stop signal (p.Trp771*) in the OPA1 gene. It is expected to result in an absent or disrupted protein product. Loss-of-function variants in OPA1 are known to be pathogenic (PMID: 11440988, 20157015, 20952381, 25012220). For these reasons, this variant has been classified as Pathogenic. This variant has not been reported in the literature in individuals affected with OPA1-related conditions. This variant is not present in population databases (gnomAD no frequency).

Literature cited by the submitters: PubMed 11440988; PubMed 20157015; PubMed 20952381; PubMed 25012220.